The following is an entry in ClinVar:

NM_000535.7(PMS2):c.694G>C (p.Gly232Arg)

Gene: PMS2 (PMS1 homolog 2, mismatch repair system component; minus strand). Cytogenetic location: 7p22.1.
Variant type: single nucleotide variant.
Coding change: c.694G>C on transcript NM_000535.7 (MANE Select); coding-DNA position 694, G replaced by C.
Protein change: p.Gly232Arg; replaces glycine 232 with arginine.
Molecular consequence: missense variant. On other transcripts: 5 prime UTR variant (2), non-coding transcript variant (1), intron variant (1).
Genome position (GRCh38, 1-based): chr7:5,999,119, C>G on the plus strand (G>C on the coding strand, the complement: PMS2 is on the minus strand). VCF-style: chr7-5999119-C-G. GRCh37 (hg19) VCF-style: chr7-6038750-C-G.
Other names: c.289G>C, p.Gly97Arg (NM_001322003.2, NM_001322004.2, NM_001322005.2 and 2 more transcripts); c.694G>C, p.Gly232Arg (NM_001322006.2, NM_001322014.2); c.376G>C, p.Gly126Arg (NM_001322007.2, NM_001322008.2); c.-240G>C (NM_001322011.2, NM_001322012.2); c.385G>C, p.Gly129Arg (NM_001322015.2); c.133-1696G>C (NM_001322013.2); short protein forms G126R, G232R, G129R, G97R.
Identifiers: ClinVar variation 837838 (VCV000837838.9), dbSNP rs1266098796, ClinGen allele CA366743830.

ClinVar aggregate classification (germline): Uncertain significance (1 of 4 stars; one submission).

Conditions:
Hereditary nonpolyposis colorectal neoplasms. Identifiers: MedGen C0009405, MeSH D003123.

Submission:

Labcorp Genetics (formerly Invitae), Labcorp
Classification: Uncertain significance for Hereditary nonpolyposis colorectal neoplasms. Last evaluated: 2025-04-21. Review status: criteria provided, single submitter. Criteria: Invitae Variant Classification Sherloc (09022015). Collection method: clinical testing. Allele origin: germline.
Comment: This sequence change replaces glycine, which is neutral and non-polar, with arginine, which is basic and polar, at codon 232 of the PMS2 protein (p.Gly232Arg). This variant is present in population databases (no rsID available, gnomAD 0.01%). This variant has not been reported in the literature in individuals affected with PMS2-related conditions. ClinVar contains an entry for this variant (Variation ID: 837838). Invitae Evidence Modeling incorporating data from in vitro experimental studies (internal data) indicates that this missense variant is not expected to disrupt PMS2 function with a negative predictive value of 95%. In summary, the available evidence is currently insufficient to determine the role of this variant in disease. Therefore, it has been classified as a Variant of Uncertain Significance.